The following is an entry in ClinVar:

ClinVar aggregate classification (germline): Uncertain significance (1 of 4 stars; one submission).

Conditions:
Renal cysts and diabetes syndrome (RCAD). Also called: Familial hypoplastic, glomerulocystic kidney; MATURITY-ONSET DIABETES OF THE YOUNG, TYPE 5. Identifiers: Orphanet 93111, MedGen C0431693, MONDO:0007669, OMIM 137920.

Submission:

MVZ Medizinische Genetik Mainz
Classification: Uncertain significance for Renal cysts and diabetes syndrome. Last evaluated: 2022-06-02. Review status: criteria provided, single submitter. Criteria: UK Practice Guidelines For Variant Classification V4 01 2020. Collection method: clinical testing. Allele origin: germline. Inheritance: Autosomal dominant inheritance. Affected: yes. Observed: 1 variant allele.
Comment: PM5,PM2_SUP,PP3,PP4

NM_000458.4(HNF1B):c.480G>A (p.Met160Ile)

Gene: HNF1B (HNF1 homeobox B; minus strand). Cytogenetic location: 17q12.
Variant type: single nucleotide variant.
Coding change: c.480G>A on transcript NM_000458.4 (MANE Select); coding-DNA position 480, G replaced by A.
Protein change: p.Met160Ile; replaces methionine 160 with isoleucine.
Molecular consequence: missense variant.
Genome position (GRCh38, 1-based): chr17:37,739,504, C>T on the plus strand (G>A on the coding strand, the complement: HNF1B is on the minus strand). VCF-style: chr17-37739504-C-T. GRCh37 (hg19) VCF-style: chr17-36099495-C-T.
Other names: c.480G>A, p.Met160Ile (NM_001165923.4, NM_001304286.2, NM_001411100.1); short protein forms M160I.
Identifiers: ClinVar variation 3061871 (VCV003061871.1), dbSNP rs2511828800, ClinGen allele CA398751298.
Genomic context (GRCh38, chr17:37,739,504, plus strand): 5'-GAGGATCTCTCGTTGCTTTCTGACGTACCAGGTGTACAGAGCGGCACGCTTCTGGGTCTT[C>T]ATAGGGGTGCCCTTGTTGAGATGCTGGGAGAGGTGCGACTGGTTCAGGCCGGTGACATCG-3'
Protein context (NP_000449.1, residues 150-170): LSQHLNKGTP[Met160Ile]KTQKRAALYT